The following is an entry in ClinVar:

NM_006648.4(WNK2):c.560C>T (p.Ala187Val)

Gene: WNK2 (WNK lysine deficient protein kinase 2; plus strand). Cytogenetic location: 9q22.31.
Variant type: single nucleotide variant.
Coding change: c.560C>T on transcript NM_006648.4 (MANE Select); coding-DNA position 560, C replaced by T.
Protein change: p.Ala187Val; replaces alanine 187 with valine.
Molecular consequence: missense variant.
Genome position (GRCh38, 1-based): chr9:93,185,489, C>T. VCF-style: chr9-93185489-C-T. GRCh37 (hg19) VCF-style: chr9-95947771-C-T.
Other names: c.560C>T, p.Ala187Val (NM_001282394.3); short protein forms A187V.
Identifiers: ClinVar variation 4605187 (VCV004605187.1).
Genomic context (GRCh38, chr9:93,185,489, plus strand): 5'-GCACTCGCCGGGACGAGCCCGAAGAGGAGGAGGACGACGAGGACGACCTCAAGGCCGTGG[C>T]CACCTCTCTGGACGGCCGCTTCCTCAAGTTCGACATCGAGCTGGGCCGCGGTTCCTTCAA-3'
Protein context (NP_006639.3, residues 177-197): EDDEDDLKAV[Ala187Val]TSLDGRFLKF

ClinVar aggregate classification (germline): Uncertain significance (1 of 4 stars; one submission).

Submission:

Ambry Genetics
Classification: Uncertain significance. Last evaluated: 2025-09-25. Review status: criteria provided, single submitter. Criteria: Ambry Variant Classification Scheme 2023. Collection method: clinical testing. Allele origin: germline.
Comment: The p.A187V variant (also known as c.560C>T), located in coding exon 1 of the WNK2 gene, results from a C to T substitution at nucleotide position 560. The alanine at codon 187 is replaced by valine, an amino acid with similar properties. This amino acid position is conserved. In addition, this alteration is predicted to be tolerated by in silico analysis. Based on the available evidence, the clinical significance of this variant remains unclear.